The following is an entry in ClinVar:

ClinVar aggregate classification (germline): Uncertain significance (1 of 4 stars; one submission).

Allele frequency attached by ClinVar (database versions not stated): TOPMed below 0.00001; gnomAD 0.00001.

Submission:

Labcorp Genetics (formerly Invitae), Labcorp
Classification: Uncertain significance. Last evaluated: 2022-05-22. Review status: criteria provided, single submitter. Criteria: Invitae Variant Classification Sherloc (09022015). Collection method: clinical testing. Allele origin: germline.
Comment: Algorithms developed to predict the effect of missense changes on protein structure and function output the following: SIFT: "Tolerated"; PolyPhen-2: "Benign"; Align-GVGD: "Class C0". The serine amino acid residue is found in multiple mammalian species, which suggests that this missense change does not adversely affect protein function. In summary, the available evidence is currently insufficient to determine the role of this variant in disease. Therefore, it has been classified as a Variant of Uncertain Significance. This variant has not been reported in the literature in individuals affected with LIG1-related conditions. This variant is not present in population databases (gnomAD no frequency). This sequence change replaces proline, which is neutral and non-polar, with serine, which is neutral and polar, at codon 822 of the LIG1 protein (p.Pro822Ser).

NM_000234.3(LIG1):c.2464C>T (p.Pro822Ser)

Gene: LIG1 (DNA ligase 1; minus strand). Cytogenetic location: 19q13.33.
Variant type: single nucleotide variant.
Coding change: c.2464C>T on transcript NM_000234.3 (MANE Select); coding-DNA position 2464, C replaced by T.
Protein change: p.Pro822Ser; replaces proline 822 with serine.
Molecular consequence: missense variant. On other transcripts: non-coding transcript variant (6).
Genome position (GRCh38, 1-based): chr19:48,117,757, G>A on the plus strand (C>T on the coding strand, the complement: LIG1 is on the minus strand). VCF-style: chr19-48117757-G-A. GRCh37 (hg19) VCF-style: chr19-48621014-G-A.
Other names: c.2371C>T, p.Pro791Ser (NM_001289063.2); c.2260C>T, p.Pro754Ser (NM_001289064.2); c.2461C>T, p.Pro821Ser (NM_001320970.2); c.2374C>T, p.Pro792Ser (NM_001320971.2); short protein forms P822S, P754S, P791S, P792S, P821S.
Identifiers: ClinVar variation 1998101 (VCV001998101.4), dbSNP rs1349395135, ClinGen allele CA406641987.
Genomic context (GRCh38, chr19:48,117,757, plus strand): 5'-ACACAGCGCTGGGGTCCAGCCAGTGGTCGGGAATCACAGCGCCATCTATCCGCACGTAAG[G>A]GCGTGGGCTGGGCAGCACCAGCGCCTGCAGTGAGCAGAGGAAGAGAGGAACAGAGGGTCT-3'
Protein context (NP_000225.1, residues 812-832): LKALVLPSPR[Pro822Ser]YVRIDGAVIP